The following is an entry in ClinVar:

ClinVar aggregate classification (germline): Uncertain significance (1 of 4 stars; one submission).

Allele frequency attached by ClinVar (database versions not stated): ESP Exome Variant Server 0.00025; gnomAD 0.00007 and 0.00009; TOPMed 0.00008; gnomAD exomes 0.00009; ExAC 0.00013.
gnomAD v4.1: 141 of 1,606,652 alleles (0.0088%); highest among the groups gnomAD compares: African/African-American, 0.015%; no homozygotes.

Submission:

GeneDx
Classification: Uncertain significance. Last evaluated: 2025-06-30. Review status: criteria provided, single submitter. Criteria: GeneDx Variant Classification Process June 2021. Collection method: clinical testing. Allele origin: germline. Affected: yes.
Comment: In silico analysis suggests that this missense variant does not alter protein structure/function; Has not been previously published as pathogenic or benign to our knowledge

NM_001039141.3(TRIOBP):c.3224C>T (p.Ser1075Leu)

Gene: TRIOBP (TRIO and F-actin binding protein; plus strand). Cytogenetic location: 22q13.1.
Variant type: single nucleotide variant.
Coding change: c.3224C>T on transcript NM_001039141.3 (MANE Select); coding-DNA position 3224, C replaced by T.
Protein change: p.Ser1075Leu; replaces serine 1075 with leucine.
Molecular consequence: missense variant.
Genome position (GRCh38, 1-based): chr22:37,725,780, C>T. VCF-style: chr22-37725780-C-T. GRCh37 (hg19) VCF-style: chr22-38121787-C-T.
Other names: short protein forms S1075L.
Identifiers: ClinVar variation 1327735 (VCV001327735.4), dbSNP rs201142573, ClinGen allele CA10224060.